The following is an entry in ClinVar:

ClinVar aggregate classification (germline): Benign/Likely benign. Review status: criteria provided, multiple submitters, no conflicts (2 of 4 stars). 5 submissions from 5 submitters: Benign (2); Likely benign (3). Last evaluated 2026-07-01.

Conditions:
Developmental and epileptic encephalopathy, 31A. Also called: Developmental and epileptic encephalopathy, 31; Epileptic encephalopathy, early infantile, 31. Identifiers: Orphanet 2382, MedGen C4225357, MONDO:0014598, OMIM 616346.
Inborn genetic diseases. Identifiers: MedGen C0950123, MeSH D030342.

Allele frequency attached by ClinVar (database versions not stated): TOPMed 0.00085; gnomAD 0.00088 and 0.00093; gnomAD exomes 0.00092; 1000 Genomes Project 30x 0.00094; ExAC 0.00101; ESP Exome Variant Server 0.00108; 1000 Genomes Project 0.00080.
gnomAD v4.1: 2,591 of 1,614,178 alleles (0.16%); highest among the groups gnomAD compares: Non-Finnish European, 0.21%; 1 homozygote.

Submissions (5):

CeGaT Center for Human Genetics Tuebingen
Classification: Likely benign. Last evaluated: 2026-07-01. Review status: criteria provided, single submitter. Criteria: CeGaT Center For Human Genetics Tuebingen Variant Classification Criteria Version 2. Collection method: clinical testing. Allele origin: germline. Affected: yes. Observed: 8 variant alleles.
Comment: DNM1: BP4, BP7

Labcorp Genetics (formerly Invitae), Labcorp
Classification: Benign for Developmental and epileptic encephalopathy, 31A. Last evaluated: 2026-02-03. Review status: criteria provided, single submitter. Criteria: Invitae Variant Classification Sherloc (09022015). Collection method: clinical testing. Allele origin: germline.

Blueprint Genetics
Classification: Likely benign. Last evaluated: 2024-11-19. Review status: criteria provided, single submitter. Criteria: ACMG Guidelines, 2015. Collection method: clinical testing. Allele origin: germline.

GeneDx
Classification: Benign. Last evaluated: 2019-08-06. Review status: criteria provided, single submitter. Criteria: GeneDx Variant Classification Process June 2021. Collection method: clinical testing. Allele origin: germline. Affected: yes.

Ambry Genetics
Classification: Likely benign for Inborn genetic diseases. Last evaluated: 2016-08-12. Review status: criteria provided, single submitter. Criteria: Ambry Variant Classification Scheme 2023. Collection method: clinical testing. Allele origin: germline.

NM_004408.4(DNM1):c.450C>G (p.Pro150=)

Genes: DNM1 (dynamin 1; plus strand), LOC113839516 (Sharpr-MPRA regulatory region 8497; plus strand). Cytogenetic location: 9q34.11.
Variant type: single nucleotide variant.
Coding change: c.450C>G on transcript NM_004408.4 (MANE Select); coding-DNA position 450, C replaced by G.
Protein change: p.Pro150=; no amino-acid change (proline 150 retained).
Molecular consequence: synonymous variant.
Genome position (GRCh38, 1-based): chr9:128,219,113, C>G. VCF-style: chr9-128219113-C-G. GRCh37 (hg19) VCF-style: chr9-130981392-C-G.
Other names: c.450C>G, p.Pro150= (NM_001005336.3, NM_001288737.2, NM_001288738.2 and 1 more transcripts).
Identifiers: ClinVar variation 388987 (VCV000388987.42), dbSNP rs143834670, ClinGen allele CA5257816.